The following is an entry in ClinVar:

ClinVar aggregate classification (germline): Uncertain significance (1 of 4 stars; one submission).

Conditions:
Charcot-Marie-Tooth disease, type I (CMT1). Also called: Charcot-Marie-Tooth, Type 1; Charcot-Marie-Tooth disease type 1. Identifiers: Orphanet 65753, MedGen C0751036, MONDO:0019011.

Submission:

Labcorp Genetics (formerly Invitae), Labcorp
Classification: Uncertain significance for Charcot-Marie-Tooth disease, type I. Last evaluated: 2023-12-21. Review status: criteria provided, single submitter. Criteria: Invitae Variant Classification Sherloc (09022015). Collection method: clinical testing. Allele origin: germline.
Comment: This sequence change replaces threonine, which is neutral and polar, with serine, which is neutral and polar, at codon 124 of the MPZ protein (p.Thr124Ser). This variant is not present in population databases (gnomAD no frequency). This variant has not been reported in the literature in individuals affected with MPZ-related conditions. Advanced modeling of protein sequence and biophysical properties (such as structural, functional, and spatial information, amino acid conservation, physicochemical variation, residue mobility, and thermodynamic stability) performed at Invitae indicates that this missense variant is expected to disrupt MPZ protein function with a positive predictive value of 80%. This variant disrupts the p.Thr124 amino acid residue in MPZ. Other variant(s) that disrupt this residue have been determined to be pathogenic (PMID: 9452091, 10923043, 12207153, 12948789, 15159512, 16279991, 19629567, 25720167, 26234237). This suggests that this residue is clinically significant, and that variants that disrupt this residue are likely to be disease-causing. In summary, the available evidence is currently insufficient to determine the role of this variant in disease. Therefore, it has been classified as a Variant of Uncertain Significance.

Literature cited by the submitters: PubMed 9452091; PubMed 10923043; PubMed 12207153; PubMed 12948789; PubMed 15159512; PubMed 16279991; PubMed 19629567; PubMed 25720167; PubMed 26234237.

NM_000530.8(MPZ):c.370A>T (p.Thr124Ser)

Gene: MPZ (myelin protein zero; minus strand). Cytogenetic location: 1q23.3.
Variant type: single nucleotide variant.
Coding change: c.370A>T on transcript NM_000530.8 (MANE Select); coding-DNA position 370, A replaced by T.
Protein change: p.Thr124Ser; replaces threonine 124 with serine.
Molecular consequence: missense variant.
Genome position (GRCh38, 1-based): chr1:161,306,786, T>A on the plus strand (A>T on the coding strand, the complement: MPZ is on the minus strand). VCF-style: chr1-161306786-T-A. GRCh37 (hg19) VCF-style: chr1-161276576-T-A.
Other names: c.370A>T, p.Thr124Ser (NM_001315491.2); short protein forms T124S.
Identifiers: ClinVar variation 2704624 (VCV002704624.3), dbSNP rs1571818905, ClinGen allele CA343348982.
Genomic context (GRCh38, chr1:161,306,786, plus strand): 5'-GCGTGACCTGAGAGGTCTTGCCCACTATGTCTGGAGGGTTTTTGACGTCACAAGTGAACG[T>A]GCCATTGTCACTGTAGTCTAGGTTGTGTATGACAATGGAGCCATCCTTCCAGCGAGGGTC-3'
Protein context (NP_000521.2, residues 114-134): IHNLDYSDNG[Thr124Ser]FTCDVKNPPD